The following is an entry in ClinVar:

NM_000092.5(COL4A4):c.1623+702T>A

Gene: COL4A4 (collagen type IV alpha 4 chain; minus strand). Cytogenetic location: 2q36.3.
Variant type: single nucleotide variant.
Coding change: c.1623+702T>A on transcript NM_000092.5 (MANE Select); 702 bases into the intron after coding-DNA position 1623, T replaced by A.
Molecular consequence: intron variant.
Genome position (GRCh38, 1-based): chr2:227,087,951, A>T on the plus strand (T>A on the coding strand, the complement: COL4A4 is on the minus strand). VCF-style: chr2-227087951-A-T. GRCh37 (hg19) VCF-style: chr2-227952667-A-T.
Identifiers: ClinVar variation 4065037 (VCV004065037.2).

ClinVar aggregate classification (germline): Likely pathogenic (1 of 4 stars; one submission).

Conditions:
Alport syndrome. Also called: Hemorrhagic familial nephritis; Hemorrhagic hereditary nephritis; Congenital hereditary hematuria. Identifiers: Orphanet 63, MedGen C1567741, MONDO:0018965.

Submission:

Natera, Inc.
Classification: Likely pathogenic for Alport syndrome. Last evaluated: 2025-03-06. Review status: criteria provided, single submitter. Criteria: Natera Variant Classification Schema (03/2026). Collection method: clinical testing. Allele origin: germline.
Comment: The c.1623+702T>A variant in COL4A4 is an intronic variant located outside the canonical splice sites. This variant is rare in the general population with a frequency below the threshold expected for the associated phenotype(s). This variant has been observed in one or more individuals affected with the associated recessive disease, as either homozygous or compound heterozygous with a second variant (PMID: 34508137). Functional studies show that this variant may disrupt protein function (PMID: 34508137). Multiple computational prediction algorithms suggest this variant is unlikely to affect gene or protein function. Given the available evidence, this variant is classified as Likely Pathogenic.

Literature cited by the submitters: PubMed 34508137.